The following is an entry in ClinVar:

ClinVar aggregate classification (germline): Uncertain significance (1 of 4 stars; one submission).

Submission:

Labcorp Genetics (formerly Invitae), Labcorp
Classification: Uncertain significance. Last evaluated: 2021-04-01. Review status: criteria provided, single submitter. Criteria: Invitae Variant Classification Sherloc (09022015). Collection method: clinical testing. Allele origin: germline.
Comment: A copy number gain of the genomic region encompassing the full coding sequence of the JAK1 gene has been identified. The boundaries of this event are unknown as they extend beyond the assayed region for this gene and therefore may encompass additional genes. As the precise location of this event is unknown, it may be in tandem or it may be located elsewhere in the genome. This variant has not been reported in the literature in individuals with JAK1-related conditions. In summary, the available evidence is currently insufficient to determine the role of this variant in disease. Therefore, it has been classified as a Variant of Uncertain Significance.

NC_000001.10:g.(?_65300245)_(65351947_?)dup

Gene: JAK1 (Janus kinase 1; minus strand). Cytogenetic location: 1p31.3.
Variant type: Duplication.
Identifiers: ClinVar variation 1525961 (VCV001525961.1).